The following is an entry in ClinVar:

ClinVar aggregate classification (germline): Uncertain significance (1 of 4 stars; one submission).

Conditions:
Hypertrophic cardiomyopathy. Also called: HYPERTROPHIC MYOCARDIOPATHY. Identifiers: Orphanet 217569, MedGen C0007194, MeSH D002312, MONDO:0005045, HP:0001639.

Allele frequency attached by ClinVar (database versions not stated): ExAC 0.00001; gnomAD 0.00001; gnomAD exomes 0.00001 and 0.00002; TOPMed 0.00001.
gnomAD v4.1: 30 of 1,613,206 alleles (0.0019%); highest among the groups gnomAD compares: Non-Finnish European, 0.0023%; no homozygotes.

Submission:

Labcorp Genetics (formerly Invitae), Labcorp
Classification: Uncertain significance for Hypertrophic cardiomyopathy. Last evaluated: 2025-03-27. Review status: criteria provided, single submitter. Criteria: Invitae Variant Classification Sherloc (09022015). Collection method: clinical testing. Allele origin: germline.
Comment: This sequence change replaces proline, which is neutral and non-polar, with leucine, which is neutral and non-polar, at codon 607 of the MYOM1 protein (p.Pro607Leu). This variant is present in population databases (rs746549717, gnomAD 0.003%). This variant has not been reported in the literature in individuals affected with MYOM1-related conditions. ClinVar contains an entry for this variant (Variation ID: 949826). An algorithm developed to predict the effect of missense changes on protein structure and function (PolyPhen-2) suggests that this variant is likely to be disruptive. In summary, the available evidence is currently insufficient to determine the role of this variant in disease. Therefore, it has been classified as a Variant of Uncertain Significance.

NM_003803.4(MYOM1):c.1820C>T (p.Pro607Leu)

Gene: MYOM1 (myomesin 1; minus strand). Cytogenetic location: 18p11.31.
Variant type: single nucleotide variant.
Coding change: c.1820C>T on transcript NM_003803.4 (MANE Select); coding-DNA position 1820, C replaced by T.
Protein change: p.Pro607Leu; replaces proline 607 with leucine.
Molecular consequence: missense variant.
Genome position (GRCh38, 1-based): chr18:3,151,717, G>A on the plus strand (C>T on the coding strand, the complement: MYOM1 is on the minus strand). VCF-style: chr18-3151717-G-A. GRCh37 (hg19) VCF-style: chr18-3151715-G-A.
Other names: c.1820C>T, p.Pro607Leu (NM_019856.2); short protein forms P607L.
Identifiers: ClinVar variation 949826 (VCV000949826.9), dbSNP rs746549717, ClinGen allele CA8874848.